The following is an entry in ClinVar:

ClinVar aggregate classification (germline): Uncertain significance. Review status: criteria provided, multiple submitters, no conflicts (2 of 4 stars). 2 submissions from 2 submitters: Uncertain significance (2). Last evaluated 2025-06-01.

Conditions:
Developmental and epileptic encephalopathy, 46 (DEE46). Also called: Epileptic encephalopathy, early infantile, 46; GRIN2D-Related Developmental and Epileptic Encephalopathy. Identifiers: MedGen C4310687, MONDO:0014947, OMIM 617162.

Allele frequency attached by ClinVar (database versions not stated): gnomAD 0.00001; ExAC 0.00002; gnomAD exomes 0.00002.
gnomAD v4.1: 61 of 1,599,106 alleles (0.0038%); highest among the groups gnomAD compares: Non-Finnish European, 0.0048%; no homozygotes.

Submissions (2):

Labcorp Genetics (formerly Invitae), Labcorp
Classification: Uncertain significance. Last evaluated: 2025-06-01. Review status: criteria provided, single submitter. Criteria: Invitae Variant Classification Sherloc (09022015). Collection method: clinical testing. Allele origin: germline.
Comment: This sequence change replaces valine, which is neutral and non-polar, with isoleucine, which is neutral and non-polar, at codon 520 of the GRIN2D protein (p.Val520Ile). This variant is present in population databases (rs761726968, gnomAD 0.004%). This variant has not been reported in the literature in individuals affected with GRIN2D-related conditions. ClinVar contains an entry for this variant (Variation ID: 1461540). Invitae Evidence Modeling of protein sequence and biophysical properties (such as structural, functional, and spatial information, amino acid conservation, physicochemical variation, residue mobility, and thermodynamic stability) indicates that this missense variant is not expected to disrupt GRIN2D protein function with a negative predictive value of 80%. In summary, the available evidence is currently insufficient to determine the role of this variant in disease. Therefore, it has been classified as a Variant of Uncertain Significance.

New York Genome Center
Classification: Uncertain significance for Developmental and epileptic encephalopathy, 46. Last evaluated: 2021-04-16. Review status: criteria provided, single submitter. Criteria: NYGC Assertion Criteria 2020. Collection method: clinical testing. Allele origin: germline. Observed: 1 heterozygote. Study: CSER-NYCKidSeq.

NM_000836.4(GRIN2D):c.1558G>A (p.Val520Ile)

Gene: GRIN2D (glutamate ionotropic receptor NMDA type subunit 2D; plus strand). Cytogenetic location: 19q13.33.
Variant type: single nucleotide variant.
Coding change: c.1558G>A on transcript NM_000836.4 (MANE Select); coding-DNA position 1558, G replaced by A.
Protein change: p.Val520Ile; replaces valine 520 with isoleucine.
Molecular consequence: missense variant.
Genome position (GRCh38, 1-based): chr19:48,415,009, G>A. VCF-style: chr19-48415009-G-A. GRCh37 (hg19) VCF-style: chr19-48918266-G-A.
Other names: short protein forms V520I.
Identifiers: ClinVar variation 1461540 (VCV001461540.7), dbSNP rs761726968, ClinGen allele CA9550535.